The following is an entry in ClinVar:

NM_000285.4(PEPD):c.1329T>C (p.Phe443=)

Gene: PEPD (peptidase D; minus strand). Cytogenetic location: 19q13.11.
Variant type: single nucleotide variant.
Coding change: c.1329T>C on transcript NM_000285.4 (MANE Select); coding-DNA position 1329, T replaced by C.
Protein change: p.Phe443=; no amino-acid change (phenylalanine 443 retained).
Molecular consequence: synonymous variant.
Genome position (GRCh38, 1-based): chr19:33,387,905, A>G on the plus strand (T>C on the coding strand, the complement: PEPD is on the minus strand). VCF-style: chr19-33387905-A-G. GRCh37 (hg19) VCF-style: chr19-33878811-A-G.
Other names: c.1206T>C, p.Phe402= (NM_001166056.2); c.1137T>C, p.Phe379= (NM_001166057.2).
Identifiers: ClinVar variation 328787 (VCV000328787.14), dbSNP rs2230063, ClinGen allele CA9363921.

ClinVar aggregate classification (germline): Likely benign. Review status: criteria provided, multiple submitters, no conflicts (2 of 4 stars). 4 submissions from 4 submitters: Likely benign (4). Last evaluated 2026-01-27.

Conditions:
PEPD-related disorder. Also called: PEPD-related condition.
Prolidase deficiency. Identifiers: Orphanet 742, MedGen C0268532, MONDO:0008221, OMIM 170100.

Allele frequency attached by ClinVar (database versions not stated): gnomAD exomes 0.00019; 1000 Genomes Project 30x 0.00031; ExAC 0.00035; 1000 Genomes Project 0.00040; gnomAD 0.00075 and 0.00081; TOPMed 0.00078.
gnomAD v4.1: 404 of 1,577,722 alleles (0.026%); highest among the groups gnomAD compares: African/African-American, 0.21%; no homozygotes.

Submissions (4):

Labcorp Genetics (formerly Invitae), Labcorp
Classification: Likely benign. Last evaluated: 2026-01-27. Review status: criteria provided, single submitter. Criteria: Invitae Variant Classification Sherloc (09022015). Collection method: clinical testing. Allele origin: germline.

PreventionGenetics, part of Exact Sciences
Classification: Likely benign for PEPD-related condition. Last evaluated: 2025-04-02. Review status: criteria provided, single submitter. Criteria: ACMG Guidelines, 2015. Collection method: clinical testing. Allele origin: germline.
Comment: This variant is classified as likely benign based on ACMG/AMP sequence variant interpretation guidelines (Richards et al. 2015 PMID: 25741868, with internal and published modifications).

Blueprint Genetics
Classification: Likely benign. Last evaluated: 2024-11-14. Review status: criteria provided, single submitter. Criteria: ACMG Guidelines, 2015. Collection method: clinical testing. Allele origin: germline.

Illumina Laboratory Services, Illumina
Classification: Likely benign for Prolidase deficiency. Last evaluated: 2018-01-12. Review status: criteria provided, single submitter. Criteria: ICSL Variant Classification Criteria 13 December 2019. Collection method: clinical testing. Allele origin: germline.
Comment: This variant was observed in the ICSL laboratory as part of a predisposition screen in an ostensibly healthy population. It had not been previously curated by ICSL or reported in the Human Gene Mutation Database (HGMD: prior to June 1st, 2018), and was therefore a candidate for classification through an automated scoring system. Utilizing variant allele frequency, disease prevalence and penetrance estimates, and inheritance mode, an automated score was calculated to assess if this variant is too frequent to cause the disease. Based on the score and internal cut-off values, a variant classified as likely benign is not then subjected to further curation. The score for this variant resulted in a classification of likely benign for this disease.